The following is an entry in ClinVar:

NM_001195263.2(PDZD7):c.928+63C>A

Gene: PDZD7 (PDZ domain containing 7; minus strand). Cytogenetic location: 10q24.31.
Variant type: single nucleotide variant.
Coding change: c.928+63C>A on transcript NM_001195263.2 (MANE Select); 63 bases into the intron after coding-DNA position 928, C replaced by A.
Molecular consequence: intron variant.
Genome position (GRCh38, 1-based): chr10:101,020,555, G>T on the plus strand (C>A on the coding strand, the complement: PDZD7 is on the minus strand). VCF-style: chr10-101020555-G-T. GRCh37 (hg19) VCF-style: chr10-102780312-G-T.
Other names: c.928+63C>A (NM_024895.5, NM_001351044.2).
Identifiers: ClinVar variation 682677 (VCV000682677.2), dbSNP rs7075685, ClinGen allele CA13167066.
Genomic context (GRCh38, chr10:101,020,555, plus strand): 5'-CCCAAAATGCTGGGATTACAGGTGTAAGCCACCAAGCCTGGCCCTTTTCTTCTTCAGAGA[G>T]CCGGGCCCCACCCTAAGGCCTCAGCCCTTTCCCTCCAACCTTGGGAGATCTGAGCCACTT-3'

ClinVar aggregate classification (germline): Benign. Review status: criteria provided, multiple submitters, no conflicts (2 of 4 stars). 2 submissions from 2 submitters: Benign (2). Last evaluated 2018-06-14.

Allele frequency attached by ClinVar (database versions not stated): gnomAD exomes 0.57634; 1000 Genomes Project 0.59625; 1000 Genomes Project 30x 0.60572; gnomAD 0.63408 and 0.64301; TOPMed 0.64633; ESP Exome Variant Server 0.65506.
gnomAD v4.1: 858,228 of 1,473,374 alleles (58%); highest among the groups gnomAD compares: African/African-American, 82%; 253,624 homozygotes.

Submissions (2):

GeneDx
Classification: Benign. Last evaluated: 2018-06-14. Review status: criteria provided, single submitter. Criteria: GeneDx Variant Classification (06012015). Collection method: clinical testing. Allele origin: germline. Affected: yes.
Comment: This variant is considered likely benign or benign based on one or more of the following criteria: it is a conservative change, it occurs at a poorly conserved position in the protein, it is predicted to be benign by multiple in silico algorithms, and/or has population frequency not consistent with disease.

Breakthrough Genomics
Classification: Benign. Review status: criteria provided, single submitter. Criteria: ACMG Guidelines, 2015. Collection method: not provided. Allele origin: germline. Inheritance: Autosomal recessive inheritance. Affected: yes.